The following is an entry in ClinVar:

ClinVar aggregate classification (germline): Uncertain significance (1 of 4 stars; one submission).

Conditions:
Autosomal dominant polycystic kidney disease. Identifiers: Orphanet 730, MedGen C0085413, MONDO:0004691.

Submission:

Labcorp Genetics (formerly Invitae), Labcorp
Classification: Uncertain significance for Autosomal dominant polycystic kidney disease. Last evaluated: 2023-11-13. Review status: criteria provided, single submitter. Criteria: Invitae Variant Classification Sherloc (09022015). Collection method: clinical testing. Allele origin: germline.
Comment: This sequence change replaces arginine, which is basic and polar, with leucine, which is neutral and non-polar, at codon 22 of the PKD2 protein (p.Arg22Leu). Information on the frequency of this variant in the gnomAD database is not available, as this variant may be reported differently in the database. This variant has not been reported in the literature in individuals affected with PKD2-related conditions. An algorithm developed to predict the effect of missense changes on protein structure and function (PolyPhen-2) suggests that this variant is likely to be tolerated. In summary, the available evidence is currently insufficient to determine the role of this variant in disease. Therefore, it has been classified as a Variant of Uncertain Significance.

NM_000297.4(PKD2):c.65_66delinsTT (p.Arg22Leu)

Genes: PKD2 (polycystin 2, transient receptor potential cation channel; plus strand), LOC129992813 (ATAC-STARR-seq lymphoblastoid silent region 15559; plus strand). Cytogenetic location: 4q22.1.
Variant type: Indel.
Coding change: c.65_66delinsTT on transcript NM_000297.4 (MANE Select); coding-DNA positions 65 to 66, GC replaced by TT.
Protein change: p.Arg22Leu; replaces arginine 22 with leucine.
Molecular consequence: missense variant. On other transcripts: non-coding transcript variant (1).
Genome position (GRCh38, 1-based): chr4:88,007,798-88,007,799, GC replaced by TT. VCF-style: chr4-88007798-GC-TT. GRCh37 (hg19) VCF-style: chr4-88928950-GC-TT.
Other names: short protein forms R22L.
Identifiers: ClinVar variation 2822571 (VCV002822571.3), dbSNP rs2476356598, ClinGen allele CA2739270160.
Genomic context (GRCh38, chr4:88,007,798, plus strand): 5'-TGAACTCCAGTCGCGTGCAGCCTCAGCAGCCCGGGGACGCCAAGCGGCCGCCCGCGCCCC[GC>TT]GCGCCGGACCCGGGCCGGCTGATGGCTGGCTGCGCGGCCGTGGGCGCCAGCCTCGCCGCC-3'
Protein context (NP_000288.1, residues 12-32): PGDAKRPPAP[Arg22Leu]APDPGRLMAG